The following is an entry in ClinVar:

ClinVar aggregate classification (germline): Benign (1 of 4 stars; one submission).

Conditions:
Charcot-Marie-Tooth disease type 2B (CMT2B). Also called: Charcot-Marie-Tooth Neuropathy Type 2B; CHARCOT-MARIE-TOOTH DISEASE, AXONAL, TYPE 2B; CHARCOT-MARIE-TOOTH DISEASE, AUTOSOMAL DOMINANT, TYPE 2B; HEREDITARY MOTOR AND SENSORY NEUROPATHY IIB. Identifiers: Orphanet 99936, MedGen C1833219, MONDO:0010949, OMIM 600882.

Allele frequency attached by ClinVar (database versions not stated): gnomAD 0.00009 and 0.00159; TOPMed 0.00014; 1000 Genomes Project 30x 0.00890; 1000 Genomes Project 0.00958; gnomAD exomes 0.01473.

Submission:

Illumina Laboratory Services, Illumina
Classification: Benign for Charcot-Marie-Tooth disease type 2B. Last evaluated: 2018-01-13. Review status: criteria provided, single submitter. Criteria: ICSL Variant Classification Criteria 13 December 2019. Collection method: clinical testing. Allele origin: germline.
Comment: This variant was observed in the ICSL laboratory as part of a predisposition screen in an ostensibly healthy population. It had not been previously curated by ICSL or reported in the Human Gene Mutation Database (HGMD: prior to June 1st, 2018), and was therefore a candidate for classification through an automated scoring system. Utilizing variant allele frequency, disease prevalence and penetrance estimates, and inheritance mode, an automated score was calculated to assess if this variant is too frequent to cause the disease. Based on the score and internal cut-off values, a variant classified as benign is not then subjected to further curation. The score for this variant resulted in a classification of benign for this disease.

NM_004637.6(RAB7A):c.-115C>T

Gene: RAB7A (RAB7A, member RAS oncogene family; plus strand). Cytogenetic location: 3q21.3.
Variant type: single nucleotide variant.
Coding change: c.-115C>T on transcript NM_004637.6 (MANE Select); 115 bases upstream of the start codon, C replaced by T.
Molecular consequence: 5 prime UTR variant.
Genome position (GRCh38, 1-based): chr3:128,726,253, C>T. VCF-style: chr3-128726253-C-T. GRCh37 (hg19) VCF-style: chr3-128445096-C-T.
Identifiers: ClinVar variation 343153 (VCV000343153.5), dbSNP rs374777610, ClinGen allele CA10615231.